The following is an entry in ClinVar:

ClinVar aggregate classification (germline): Pathogenic/Likely pathogenic. Review status: criteria provided, multiple submitters, no conflicts (2 of 4 stars). 6 submissions from 6 submitters: Pathogenic (1); Likely pathogenic (5). Last evaluated 2026-08-07.

Conditions:
Cardiovascular phenotype. Identifiers: MedGen CN230736.
TTN-related disorder. Also called: TTN-related condition; TTN-related disease; TTN-related disorders.
Autosomal recessive limb-girdle muscular dystrophy type 2J (LGMDR10). Also called: Limb-girdle muscular dystrophy, type 2J; MUSCULAR DYSTROPHY, LIMB-GIRDLE, AUTOSOMAL RECESSIVE 10. Identifiers: Orphanet 140922, MedGen C1837342, MONDO:0012127, OMIM 608807.
Dilated cardiomyopathy 1G (CMD1G). Identifiers: Orphanet 154, MedGen C1858763, MONDO:0011400, OMIM 604145.

gnomAD v4.1: 3 of 1,613,818 alleles (0.00019%); highest among the groups gnomAD compares: Non-Finnish European, 0.00025%; no homozygotes.

Submissions (6):

GeneDx
Classification: Likely pathogenic. Last evaluated: 2026-08-07. Review status: criteria provided, single submitter. Criteria: GeneDx Variant Classification Process June 2021. Collection method: clinical testing. Allele origin: germline.
Comment: Located in a specific region of the I-band within TTN for which truncating variants are significantly associated with autosomal dominant cardiomyopathy and also with autosomal recessive skeletal myopathies (PMID: 27625338, 27869827, 32778822); Not observed at significant frequency in large population cohorts (gnomAD); Has not been previously published as pathogenic or benign to our knowledge; This variant is associated with the following publications: (PMID: 25589632, 23975875, 22335739, 26701604, 27625338, 27869827, 32778822)

Labcorp Genetics (formerly Invitae), Labcorp
Classification: Likely pathogenic for Dilated cardiomyopathy 1G; Autosomal recessive limb-girdle muscular dystrophy type 2J. Last evaluated: 2025-08-15. Review status: criteria provided, single submitter. Criteria: Invitae Variant Classification Sherloc (09022015). Collection method: clinical testing. Allele origin: germline.
Comment: This sequence change creates a premature translational stop signal (p.Gln4373*) in the TTN gene. While this is not anticipated to result in nonsense mediated decay, it is expected to create a truncated TTN protein. This variant is not present in population databases (gnomAD no frequency). This variant has not been reported in the literature in individuals affected with TTN-related conditions. ClinVar contains an entry for this variant (Variation ID: 418754). This variant is located in the I band of TTN (PMID: 25589632). Truncating variants in this region have been reported in individuals affected with autosomal recessive centronuclear myopathy (PMID: 23975875, internal data). Truncating variants in this region have also been identified in individuals affected with autosomal dominant dilated cardiomyopathy and/or cardio-related conditions (PMID: 27869827, 32964742, internal data). In summary, the currently available evidence indicates that the variant is pathogenic, but additional data are needed to prove that conclusively. Therefore, this variant has been classified as Likely Pathogenic.

ARUP Laboratories, Molecular Genetics and Genomics, ARUP Laboratories
Classification: Likely pathogenic. Last evaluated: 2025-05-29. Review status: criteria provided, single submitter. Criteria: ARUP Molecular Germline Variant Investigation Process 2024. Collection method: clinical testing. Allele origin: germline.
Comment: The TTN c.13117C>T; p.Gln4373Ter variant (rs1064793411), to our knowledge, is not reported in the medical literature but is reported in ClinVar (Variation ID: 418754). This variant is also absent from the Genome Aggregation Database (v2.1.1), indicating it is not a common polymorphism. This variant induces an early termination codon and is predicted to result in a truncated protein or mRNA subject to nonsense-mediated decay. This variant is in an exon that is spliced into 100% of TTN transcripts and encodes a segment of the I-band, which is a region that is enriched for pathogenic truncating variants in individuals with dilated cardiomyopathy (Roberts 2015, Herman 2012). Based on available information, this variant is considered to be likely pathogenic. Based on available information, this variant is considered to be likely pathogenic. References: Begay RL et al. Role of Titin Missense Variants in Dilated Cardiomyopathy. J Am Heart Assoc. 2015 Nov 13;4(11). PMID: 26567375. Herman DS et al. Truncations of titin causing dilated cardiomyopathy. N Engl J Med. 2012 Feb 16;366(7):619-28. PMID: 22335739. Linke WA and Hamdani N. Gigantic business: titin properties and function through thick and thin. Circ Res 2014; 114(6): 1052-1068. PMID: 24625729. Roberts AM et al. Integrated allelic, transcriptional, and phenomic dissection of the cardiac effects of titin truncations in health and disease. Sci Transl Med. 2015 Jan 14;7(270):270ra6. PMID: 25589632.

Ambry Genetics
Classification: Pathogenic for Cardiovascular phenotype. Last evaluated: 2025-02-21. Review status: criteria provided, single submitter. Criteria: Ambry Variant Classification Scheme 2023. Collection method: clinical testing. Allele origin: germline.
Comment: The p.Q4010* pathogenic mutation (also known as c.12028C>T), located in coding exon 44 of the TTN gene, results from a C to T substitution at nucleotide position 12028. This changes the amino acid from a glutamine to a stop codon within coding exon 44. This exon is located in the I-band region of the N2-B isoform of the titin protein and is constitutively expressed in TTN transcripts (percent spliced in or PSI 100%). This variant was reported in individual(s) with features consistent with dilated cardiomyopathy (B&aacute;ez-Ferrer N et al. J Clin Med. 2024 Jan;13(3); Ambry internal data). This variant is considered to be rare based on population cohorts in the Genome Aggregation Database (gnomAD). This variant is expected to result in loss of function by premature protein truncation or nonsense-mediated mRNA decay. While truncating variants in TTN are present in 1-3% of the general population, truncating variants in the A-band are the most common cause of dilated cardiomyopathy (Herman DS et al. N. Engl. J. Med., 2012 Feb;366:619-28; Roberts AM et al. Sci Transl Med, 2015 Jan;7:270ra6). TTN truncating variants encoded in constitutive exons (PSI >90%) have been found to be significantly associated with DCM regardless of their position in titin (Schafer S et al. Nat. Genet., 2017 01;49:46-53; Akhtar MM et al. Circ Heart Fail, 2020 Oct;13:e006832; Massier M et al. Clin Genet, 2025 Jan). Based on the supporting evidence, this variant is interpreted as a disease-causing mutation.

Blueprint Genetics
Classification: Likely pathogenic for TTN-related disorders. Last evaluated: 2023-10-17. Review status: criteria provided, single submitter. Criteria: ACMG Guidelines, 2015. Collection method: clinical testing. Allele origin: germline. Affected: yes. Observed: 1 variant allele.

Juno Genomics, Hangzhou Juno Genomics, Inc
Classification: Likely pathogenic for Dilated cardiomyopathy 1G. Review status: criteria provided, single submitter. Criteria: ACMG Guidelines, 2015. Collection method: clinical testing. Allele origin: germline.
Comment: Absent from controls (or at extremely low frequency if recessive) in Genome Aggregation Database.;Null variant in a gene where loss of function (LOF) is a known mechanism of disease.;The prevalence of the variant in affected individuals is significantly increased compared to the prevalence in controls.

Literature cited by the submitters: PubMed 25589632 (cited by Labcorp Genetics (formerly Invitae), Labcorp); PubMed 23975875 (cited by Labcorp Genetics (formerly Invitae), Labcorp); PubMed 27869827 (cited by Labcorp Genetics (formerly Invitae), Labcorp); PubMed 32964742 (cited by Labcorp Genetics (formerly Invitae), Labcorp); PubMed 38337354 (cited by Ambry Genetics).

NM_001267550.2(TTN):c.13117C>T (p.Gln4373Ter)

Gene: TTN (titin; minus strand). Cytogenetic location: 2q31.2.
Variant type: single nucleotide variant.
Coding change: c.13117C>T on transcript NM_001267550.2 (MANE Select); coding-DNA position 13117, C replaced by T.
Protein change: p.Gln4373Ter; replaces glutamine 4373 with a stop codon.
Molecular consequence: nonsense. On other transcripts: intron variant (1).
Genome position (GRCh38, 1-based): chr2:178,740,116, G>A on the plus strand (C>T on the coding strand, the complement: TTN is on the minus strand). VCF-style: chr2-178740116-G-A. GRCh37 (hg19) VCF-style: chr2-179604843-G-A.
Other names: c.13117C>T (NM_001267550.1); c.12166C>T, p.Gln4056Ter (NM_001256850.1); c.12028C>T, p.Gln4010Ter (NM_003319.4); c.12403C>T, p.Gln4135Ter (NM_133432.3); c.12604C>T, p.Gln4202Ter (NM_133437.4); c.10361-1756C>T (NM_133378.4); short protein forms Q4056*, Q4373*, Q4010*, Q4135*, Q4202*.
Identifiers: ClinVar variation 418754 (VCV000418754.26), dbSNP rs1064793411, ClinGen allele CA16617384.
Genomic context (GRCh38, chr2:178,740,116, plus strand): 5'-ATCTCTGCTCTTCTGGAATACCAGAAAGCAAGCTTTCCTTAGAAAGAAGGTCCCTTCCCT[G>A]TACCTCCTGCACTTTCTTTATTGCCACGGGCTCTCTTTTAGACTCAATGATTTGGTCTGG-3'